The following is an entry in ClinVar:

NM_176787.5(PIGN):c.370G>A (p.Asp124Asn)

Gene: PIGN (phosphatidylinositol glycan anchor biosynthesis class N; minus strand). Cytogenetic location: 18q21.33.
Variant type: single nucleotide variant.
Coding change: c.370G>A on transcript NM_176787.5 (MANE Select); coding-DNA position 370, G replaced by A.
Protein change: p.Asp124Asn; replaces aspartic acid 124 with asparagine.
Molecular consequence: missense variant.
Genome position (GRCh38, 1-based): chr18:62,157,201, C>T on the plus strand (G>A on the coding strand, the complement: PIGN is on the minus strand). VCF-style: chr18-62157201-C-T. GRCh37 (hg19) VCF-style: chr18-59824434-C-T.
Other names: c.370G>A, p.Asp124Asn (NM_012327.6); short protein forms D124N.
Identifiers: ClinVar variation 1699049 (VCV001699049.4), dbSNP rs2147517284, ClinGen allele CA402603357.
Genomic context (GRCh38, chr18:62,157,201, plus strand): 5'-TAGGCAGGATATCTGGGCTTCCCCAGCTCCATGTGTATTTACTTTCATTAAAAAGAGAAT[C>T]AAACTCTACAGGATTTTCCTTCCATCCTTCAGAAAGCAAGCAAGCAGTAATAGTTATATA-3'
Protein context (NP_789744.1, residues 114-134): KGWKENPVEF[Asp124Asn]SLFNESKYTW

ClinVar aggregate classification (germline): Uncertain significance (1 of 4 stars; one submission).

Conditions:
Multiple congenital anomalies-hypotonia-seizures syndrome 1 (MCAHS1). Also called: GLYCOSYLPHOSPHATIDYLINOSITOL BIOSYNTHESIS DEFECT 3; PIGN-CDG; Congenital disorder of glycosylation due to PIGN deficiency. Identifiers: Orphanet 280633, MedGen C3279775, MONDO:0013563, OMIM 614080.

Submission:

Victorian Clinical Genetics Services, Murdoch Childrens Research Institute
Classification: Uncertain significance for Multiple congenital anomalies-hypotonia-seizures syndrome 1. Last evaluated: 2024-10-11. Review status: criteria provided, single submitter. Criteria: ACMG Guidelines, 2015. Collection method: clinical testing. Allele origin: germline. Inheritance: Autosomal recessive inheritance. Affected: yes.
Comment: Based on the classification scheme VCGS_Germline_v1.3.5, this variant is classified as VUS-3A. Following criteria are met: 0102 - Loss of function is a known mechanism of disease in this gene and is associated with multiple congenital anomalies-hypotonia-seizures syndrome 1 (MIM#614080). (I) 0106 - This gene is associated with autosomal recessive disease. (I) 0115 - Variants in this gene are known to have variable expressivity (OMIM). (I) 0200 - Variant is predicted to result in a missense amino acid change from aspartic acid to asparagine. (I) 0251 - This variant is heterozygous. (I) 0301 - Variant is absent from gnomAD (v2, v3 and v4). (SP) 0309 - An alternative amino acid change at the same position has been observed in gnomAD (v4) (1 heterozygote, 0 homozygotes). (I) 0502 - Missense variant with conflicting in silico predictions and uninformative conservation. (I) 0600 - Variant is located in the annotated type I phosphodiesterase domain (DECIPHER). (I) 0710 - Another missense variant comparable to the one identified in this case has inconclusive previous evidence for pathogenicity. The p.(Asp124Val) variant has been classified as a VUS by one clinical diagnostic laboratory (ClinVar). (I) 0807 - This variant has no previous evidence of pathogenicity. (I) 0905 - No published segregation evidence has been identified for this variant. (I) 1007 - No published functional evidence has been identified for this variant. (I) 1102 - Strong phenotype match for this individual. (I) Legend: (SP) - Supporting pathogenic, (I) - Information, (SB) - Supporting benign